The following is an entry in ClinVar:

NM_019066.5(MAGEL2):c.541C>T (p.His181Tyr)

Gene: MAGEL2 (MAGE family member L2; minus strand). Cytogenetic location: 15q11.2.
Variant type: single nucleotide variant.
Coding change: c.541C>T on transcript NM_019066.5 (MANE Select); coding-DNA position 541, C replaced by T.
Protein change: p.His181Tyr; replaces histidine 181 with tyrosine.
Molecular consequence: missense variant.
Genome position (GRCh38, 1-based): chr15:23,647,202, G>A on the plus strand (C>T on the coding strand, the complement: MAGEL2 is on the minus strand). VCF-style: chr15-23647202-G-A. GRCh37 (hg19) VCF-style: chr15-23892349-G-A.
Other names: short protein forms H181Y.
Identifiers: ClinVar variation 1706364 (VCV001706364.3), dbSNP rs1295686993, ClinGen allele CA391337015.

ClinVar aggregate classification (germline): Uncertain significance. Review status: criteria provided, multiple submitters, no conflicts (2 of 4 stars). 2 submissions from 2 submitters: Uncertain significance (2). Last evaluated 2025-06-16.

Conditions:
MAGEL2-related disorder. Also called: MAGEL2-related condition.

Allele frequency attached by ClinVar (database versions not stated): gnomAD 0.00001.
gnomAD v4.1: 1 of 1,522,568 alleles (0.000066%); highest among the groups gnomAD compares: Non-Finnish European, 0.000088%; no homozygotes.

Submissions (2):

PreventionGenetics, part of Exact Sciences
Classification: Uncertain significance for MAGEL2-related condition. Last evaluated: 2025-06-16. Review status: criteria provided, single submitter. Criteria: ACMG Guidelines, 2015. Collection method: clinical testing. Allele origin: germline.
Comment: The MAGEL2 c.541C>T variant is predicted to result in the amino acid substitution p.His181Tyr. To our knowledge, this variant has not been reported in the literature or in a large population database (gnomAD), indicating this variant is rare. At this time, the clinical significance of this variant is uncertain due to the absence of conclusive functional and genetic evidence.

GeneDx
Classification: Uncertain significance. Last evaluated: 2022-03-18. Review status: criteria provided, single submitter. Criteria: GeneDx Variant Classification Process June 2021. Collection method: clinical testing. Allele origin: germline. Affected: yes.
Comment: Not observed at significant frequency in large population cohorts (gnomAD); In silico analysis supports that this missense variant does not alter protein structure/function; Has not been previously published as pathogenic or benign to our knowledge